The following is an entry in ClinVar:

ClinVar aggregate classification (germline): Uncertain significance (1 of 4 stars; one submission).

Conditions:
Fanconi anemia (FA). Also called: Fanconi's anemia. Identifiers: Orphanet 84, MedGen C0015625, MeSH D005199, MONDO:0019391.

Submission:

Labcorp Genetics (formerly Invitae), Labcorp
Classification: Uncertain significance for Fanconi anemia. Last evaluated: 2020-11-15. Review status: criteria provided, single submitter. Criteria: Invitae Variant Classification Sherloc (09022015). Collection method: clinical testing. Allele origin: germline.
Comment: In summary, the available evidence is currently insufficient to determine the role of this variant in disease. Therefore, it has been classified as a Variant of Uncertain Significance. Nucleotide substitutions within the consensus splice site are a relatively common cause of aberrant splicing (PMID: 17576681, 9536098). Algorithms developed to predict the effect of sequence changes on RNA splicing suggest that this variant may disrupt the consensus splice site, but this prediction has not been confirmed by published transcriptional studies. This variant has not been reported in the literature in individuals with FANCA-related conditions. This variant is not present in population databases (ExAC no frequency). This sequence change falls in intron 2 of the FANCA gene. It does not directly change the encoded amino acid sequence of the FANCA protein. It affects a nucleotide within the consensus splice site of the intron.

Literature cited by the submitters: PubMed 17576681; PubMed 9536098.

NM_000135.4(FANCA):c.189+3A>T

Gene: FANCA (FA complementation group A; minus strand). Cytogenetic location: 16q24.3.
Variant type: single nucleotide variant.
Coding change: c.189+3A>T on transcript NM_000135.4 (MANE Select); 3 bases into the intron after coding-DNA position 189, A replaced by T.
Molecular consequence: intron variant.
Genome position (GRCh38, 1-based): chr16:89,815,874, T>A on the plus strand (A>T on the coding strand, the complement: FANCA is on the minus strand). VCF-style: chr16-89815874-T-A. GRCh37 (hg19) VCF-style: chr16-89882282-T-A.
Other names: c.189+3A>T (NM_001286167.3, NM_001351830.2, NM_001018112.3).
Identifiers: ClinVar variation 1347905 (VCV001347905.4), dbSNP rs2143723295, ClinGen allele CA2573152795.
Genomic context (GRCh38, chr16:89,815,874, plus strand): 5'-GTGGCTGGACTCAAAAACCCCGAACCTAAATCTGCCCGCAGACGGACACCAGCTTCCTCT[T>A]ACCTCAAGCAAAAGGGCATTCAGGTCCTGATGGCTTCGCAGGAGGCGCACAGCTGATTCC-3'